The following is an entry in ClinVar:

ClinVar aggregate classification (germline): Uncertain significance. Review status: criteria provided, multiple submitters, no conflicts (2 of 4 stars). 6 submissions from 6 submitters: Uncertain significance (6). Last evaluated 2025-09-29.

Conditions:
Cardiovascular phenotype. Identifiers: MedGen CN230736.
Hypercholesterolemia, autosomal dominant, 3 (FHCL3). Also called: Familial Hypercholesterolemia, Autosomal Dominant, 3; PCSK9-Related Familial Hypercholesterolemia, Autosomal Dominant; Familial hypercholesterolemia 3. Identifiers: MedGen C1863551, MONDO:0011369, OMIM 603776.
Familial hypercholesterolemia. Also called: Familial hypercholesterolaemia; Familial hypercholesterolemias. Identifiers: MedGen C0020445, MONDO:0005439.

Allele frequency attached by ClinVar (database versions not stated): gnomAD 0.00004; TOPMed 0.00005.
gnomAD v4.1: 26 of 1,613,660 alleles (0.0016%); highest among the groups gnomAD compares: Admixed American, 0.01%; no homozygotes.

Submissions (6):

Quest Diagnostics Nichols Institute San Juan Capistrano
Classification: Uncertain significance. Last evaluated: 2025-09-29. Review status: criteria provided, single submitter. Criteria: Quest Diagnostics criteria. Collection method: clinical testing. Allele origin: unknown.
Comment: The PCSK9 c.1228G>A (p.Glu410Lys) variant has not been reported in individuals with PCSK9-related conditions in the published literature. The frequency of this variant in the general population (Genome Aggregation Database) is higher than would generally be expected for pathogenic variants in this gene. Analysis of this variant using bioinformatics tools for the prediction of the effect of amino acid changes on protein structure and function yielded conflicting predictions that this variant is benign or damaging. Based on the available information, we are unable to determine the clinical significance of this variant.

Labcorp Genetics (formerly Invitae), Labcorp
Classification: Uncertain significance for Hypercholesterolemia, autosomal dominant, 3. Last evaluated: 2025-09-27. Review status: criteria provided, single submitter. Criteria: Invitae Variant Classification Sherloc (09022015). Collection method: clinical testing. Allele origin: germline.
Comment: This sequence change replaces glutamic acid, which is acidic and polar, with lysine, which is basic and polar, at codon 410 of the PCSK9 protein (p.Glu410Lys). The frequency data for this variant in the population databases is considered unreliable, as metrics indicate poor data quality at this position in the gnomAD database. This variant has not been reported in the literature in individuals affected with PCSK9-related conditions. ClinVar contains an entry for this variant (Variation ID: 1684993). Invitae Evidence Modeling of protein sequence and biophysical properties (such as structural, functional, and spatial information, amino acid conservation, physicochemical variation, residue mobility, and thermodynamic stability) indicates that this missense variant is not expected to disrupt PCSK9 protein function with a negative predictive value of 80%. In summary, the available evidence is currently insufficient to determine the role of this variant in disease. Therefore, it has been classified as a Variant of Uncertain Significance.

Ambry Genetics
Classification: Uncertain significance for Cardiovascular phenotype. Last evaluated: 2025-07-11. Review status: criteria provided, single submitter. Criteria: Ambry Variant Classification Scheme 2023. Collection method: clinical testing. Allele origin: germline.
Comment: The p.E410K variant (also known as c.1228G>A), located in coding exon 8 of the PCSK9 gene, results from a G to A substitution at nucleotide position 1228. The glutamic acid at codon 410 is replaced by lysine, an amino acid with similar properties. This amino acid position is well conserved in available vertebrate species. In addition, the in silico prediction for this alteration is inconclusive. Based on the available evidence, the clinical significance of this variant remains unclear.

Blueprint Genetics
Classification: Uncertain significance. Last evaluated: 2024-09-16. Review status: criteria provided, single submitter. Criteria: ACMG Guidelines, 2015. Collection method: clinical testing. Allele origin: germline.

Color Diagnostics, LLC DBA Color Health
Classification: Uncertain significance for Familial hypercholesterolemia. Last evaluated: 2023-11-15. Review status: criteria provided, single submitter. Criteria: ACMG Guidelines, 2015. Collection method: clinical testing. Allele origin: germline.
Comment: This missense variant replaces glutamic acid with lysine at codon 410 of the PCSK9 protein. Computational prediction tools indicate that this variant's impact on protein structure and function is inconclusive. To our knowledge, functional studies have not been reported for this variant. This variant has not been reported in individuals affected with PCSK9-related disorders in the literature. This variant has been identified in 7/282632 chromosomes in the general population by the Genome Aggregation Database (gnomAD). The available evidence is insufficient to determine the role of this variant in disease conclusively. Therefore, this variant is classified as a Variant of Uncertain Significance.

Mendelics
Classification: Uncertain significance. Last evaluated: 2022-05-04. Review status: criteria provided, single submitter. Criteria: Mendelics Assertion Criteria 2019. Collection method: clinical testing. Allele origin: germline.

NM_174936.4(PCSK9):c.1228G>A (p.Glu410Lys)

Gene: PCSK9 (proprotein convertase subtilisin/kexin type 9; plus strand). Cytogenetic location: 1p32.3.
Variant type: single nucleotide variant.
Coding change: c.1228G>A on transcript NM_174936.4 (MANE Select); coding-DNA position 1228, G replaced by A.
Protein change: p.Glu410Lys; replaces glutamic acid 410 with lysine.
Molecular consequence: missense variant.
Genome position (GRCh38, 1-based): chr1:55,058,083, G>A. VCF-style: chr1-55058083-G-A. GRCh37 (hg19) VCF-style: chr1-55523756-G-A.
Other names: c.1351G>A, p.Glu451Lys (NM_001407240.1); c.1228G>A, p.Glu410Lys (NM_001407241.1); c.1231G>A, p.Glu411Lys (NM_001407242.1); c.1171G>A, p.Glu391Lys (NM_001407243.1); c.1036G>A, p.Glu346Lys (NM_001407245.1); c.853G>A, p.Glu285Lys (NM_001407246.1); short protein forms E410K, E346K, E391K, E285K, E411K, E451K.
Identifiers: ClinVar variation 1684993 (VCV001684993.10), dbSNP rs746085210, ClinGen allele CA035987.